The following is an entry in ClinVar:

NM_199420.4(POLQ):c.3739A>G (p.Asn1247Asp)

Gene: POLQ (DNA polymerase theta; minus strand). Cytogenetic location: 3q13.33.
Variant type: single nucleotide variant.
Coding change: c.3739A>G on transcript NM_199420.4 (MANE Select); coding-DNA position 3739, A replaced by G.
Protein change: p.Asn1247Asp; replaces asparagine 1247 with aspartic acid.
Molecular consequence: missense variant.
Genome position (GRCh38, 1-based): chr3:121,489,192, T>C on the plus strand (A>G on the coding strand, the complement: POLQ is on the minus strand). VCF-style: chr3-121489192-T-C. GRCh37 (hg19) VCF-style: chr3-121208039-T-C.
Other names: short protein forms N1247D.
Identifiers: ClinVar variation 3308698 (VCV003308698.1).

ClinVar aggregate classification (germline): Uncertain significance (1 of 4 stars; one submission).

Submission:

Ambry Genetics
Classification: Uncertain significance. Last evaluated: 2024-05-25. Review status: criteria provided, single submitter. Criteria: Ambry Variant Classification Scheme 2023. Collection method: clinical testing. Allele origin: germline.
Comment: The p.N1247D variant (also known as c.3739A>G), located in coding exon 16 of the POLQ gene, results from an A to G substitution at nucleotide position 3739. The asparagine at codon 1247 is replaced by aspartic acid, an amino acid with highly similar properties. This amino acid position is conserved. In addition, this alteration is predicted to be tolerated by in silico analysis. Based on the available evidence, the clinical significance of this variant remains unclear.